The following is an entry in ClinVar:

ClinVar aggregate classification (germline): Uncertain significance (1 of 4 stars; one submission).

Conditions:
Hereditary cancer-predisposing syndrome. Also called: Neoplastic Syndromes, Hereditary; Tumor predisposition; Hereditary Cancer Syndrome; Hereditary neoplastic syndrome. Identifiers: Orphanet 140162, MedGen C0027672, MeSH D009386, MONDO:0015356.

Allele frequency attached by ClinVar (database versions not stated): gnomAD exomes below 0.00001.
gnomAD v4.1: 1 of 1,613,840 alleles (0.000062%); highest among the groups gnomAD compares: Non-Finnish European, 0.000085%; no homozygotes.

Submission:

Ambry Genetics
Classification: Uncertain significance for Hereditary cancer-predisposing syndrome. Last evaluated: 2024-05-28. Review status: criteria provided, single submitter. Criteria: Ambry Variant Classification Scheme 2023. Collection method: clinical testing. Allele origin: germline.
Comment: The c.1500+3A>G intronic variant results from an A to G substitution 3 nucleotides after coding exon 12 in the MRE11A gene. This nucleotide position is poorly conserved in available vertebrate species. In silico splice site analysis predicts that this alteration will not have any significant effect on splicing. Based on the available evidence, the clinical significance of this variant remains unclear.

NM_005591.4(MRE11):c.1500+3A>G

Gene: MRE11 (MRE11 double strand break repair nuclease; minus strand). Cytogenetic location: 11q21.
Variant type: single nucleotide variant.
Coding change: c.1500+3A>G on transcript NM_005591.4 (MANE Select); 3 bases into the intron after coding-DNA position 1500, A replaced by G.
Molecular consequence: intron variant.
Genome position (GRCh38, 1-based): chr11:94,459,405, T>C on the plus strand (A>G on the coding strand, the complement: MRE11 is on the minus strand). VCF-style: chr11-94459405-T-C. GRCh37 (hg19) VCF-style: chr11-94192571-T-C.
Other names: c.1500+3A>G (NM_001330347.2, NM_005590.4).
Identifiers: ClinVar variation 232957 (VCV000232957.6), dbSNP rs876660098, ClinGen allele CA10579374.